The following is an entry in ClinVar:

ClinVar aggregate classification (germline): Uncertain significance (1 of 4 stars; one submission).

Allele frequency attached by ClinVar (database versions not stated): gnomAD exomes below 0.00001.
gnomAD v4.1: 3 of 1,481,484 alleles (0.0002%); highest among the groups gnomAD compares: Non-Finnish European, 0.00027%; no homozygotes.

Submission:

Labcorp Genetics (formerly Invitae), Labcorp
Classification: Uncertain significance. Last evaluated: 2023-10-10. Review status: criteria provided, single submitter. Criteria: Invitae Variant Classification Sherloc (09022015). Collection method: clinical testing. Allele origin: germline.
Comment: This sequence change falls in intron 7 of the PPP3CA gene. It does not directly change the encoded amino acid sequence of the PPP3CA protein. It affects a nucleotide within the consensus splice site. This variant is not present in population databases (gnomAD no frequency). This variant has not been reported in the literature in individuals affected with PPP3CA-related conditions. Variants that disrupt the consensus splice site are a relatively common cause of aberrant splicing (PMID: 17576681, 9536098). Algorithms developed to predict the effect of sequence changes on RNA splicing suggest that this variant is not likely to affect RNA splicing. In summary, the available evidence is currently insufficient to determine the role of this variant in disease. Therefore, it has been classified as a Variant of Uncertain Significance.

Literature cited by the submitters: PubMed 17576681; PubMed 9536098.

NM_000944.5(PPP3CA):c.860+6C>A

Gene: PPP3CA (protein phosphatase 3 catalytic subunit alpha; minus strand). Cytogenetic location: 4q24.
Variant type: single nucleotide variant.
Coding change: c.860+6C>A on transcript NM_000944.5 (MANE Select); 6 bases into the intron after coding-DNA position 860, C replaced by A.
Molecular consequence: intron variant.
Genome position (GRCh38, 1-based): chr4:101,083,180, G>T on the plus strand (C>A on the coding strand, the complement: PPP3CA is on the minus strand). VCF-style: chr4-101083180-G-T. GRCh37 (hg19) VCF-style: chr4-102004337-G-T.
Other names: c.860+6C>A (NM_001130692.2, NM_001130691.2).
Identifiers: ClinVar variation 2767521 (VCV002767521.3), dbSNP rs2476302359, ClinGen allele CA2671555607.
Genomic context (GRCh38, chr4:101,083,180, plus strand): 5'-AGCAAAGTGAGGAAGTTCTGGAAAATGGACAATGCATGGTTTTTATAAATGCTCAAAACT[G>T]CTCACCCTGCATCTTGGGCTTCGTGGGCTCGGAGTATAGATAACAAGTTATTGTGCTGTA-3'